The following is an entry in ClinVar:

ClinVar aggregate classification (germline): Pathogenic. Review status: criteria provided, multiple submitters, no conflicts (2 of 4 stars). 3 submissions from 3 submitters: Pathogenic (2). 1 of the submissions does not count toward it. Last evaluated 2025-11-25.

Conditions:
Glutaric aciduria, type 1. Also called: Glutaric Acidemia Type 1; Glutaricaciduria, type I; Glutaricacidemia Type 1; GA I; Glutaryl-CoA dehydrogenase deficiency; Glutaric acidemia type I. Identifiers: Orphanet 25, MedGen C0268595, MONDO:0009281, OMIM 231670.

Submissions (3):

Labcorp Genetics (formerly Invitae), Labcorp
Classification: Pathogenic for Glutaric aciduria, type 1. Last evaluated: 2025-11-25. Review status: criteria provided, single submitter. Criteria: Invitae Variant Classification Sherloc (09022015). Collection method: clinical testing. Allele origin: germline.
Comment: This sequence change replaces arginine, which is basic and polar, with proline, which is neutral and non-polar, at codon 294 of the GCDH protein (p.Arg294Pro). This variant is not present in population databases (gnomAD no frequency). This missense change has been observed in individual(s) with glutaric aciduria type I (PMID: 25762492, 29201125). ClinVar contains an entry for this variant (Variation ID: 430833). Invitae Evidence Modeling of protein sequence and biophysical properties (such as structural, functional, and spatial information, amino acid conservation, physicochemical variation, residue mobility, and thermodynamic stability) indicates that this missense variant is expected to disrupt GCDH protein function with a positive predictive value of 80%. This variant disrupts the p.Arg294 amino acid residue in GCDH. Other variant(s) that disrupt this residue have been determined to be pathogenic (PMID: 15505393, 29665094). This suggests that this residue is clinically significant, and that variants that disrupt this residue are likely to be disease-causing. For these reasons, this variant has been classified as Pathogenic.

Juno Genomics, Hangzhou Juno Genomics, Inc
Classification: Pathogenic for Glutaric aciduria, type 1. Review status: criteria provided, single submitter. Criteria: ACMG Guidelines, 2015. Collection method: clinical testing. Allele origin: germline.
Comment: Absent from controls (or at extremely low frequency if recessive) in Genome Aggregation Database.;Multiple lines of computational evidence support a deleterious effect on the gene or gene product.;Novel missense change at an amino acid residue where a different missense change determined to be pathogenic has been seen before.;For recessive disorders, detected in trans with a pathogenic variant.;Patient's phenotype or family history is highly specific for a disease with a single genetic etiology.

Foundation for Research in Genetics and Endocrinology, FRIGE's Institute of Human Genetics
Classification: Likely pathogenic for Glutaric aciduria, type 1. Last evaluated: 2017-06-07. Review status: no assertion criteria provided. Collection method: clinical testing. Allele origin: germline. Inheritance: Autosomal recessive inheritance. Affected: yes. Observed: 1 variant allele, 1 homozygote. Not counted in ClinVar's aggregate classification.
Comment: The observed variant is not reported in 1000 Genomes, ExAC and dbSNP databases but found to be pathogenic by in silico analysis using Mutation Taster, Polyphen2 and SIFT software.

Literature cited by the submitters: PubMed 25762492 (cited by Labcorp Genetics (formerly Invitae), Labcorp); PubMed 29201125 (cited by Labcorp Genetics (formerly Invitae), Labcorp); PubMed 15505393 (cited by Labcorp Genetics (formerly Invitae), Labcorp); PubMed 29665094 (cited by Labcorp Genetics (formerly Invitae), Labcorp).

NM_000159.4(GCDH):c.881G>C (p.Arg294Pro)

Gene: GCDH (glutaryl-CoA dehydrogenase; plus strand). Cytogenetic location: 19p13.13.
Variant type: single nucleotide variant.
Coding change: c.881G>C on transcript NM_000159.4 (MANE Select); coding-DNA position 881, G replaced by C.
Protein change: p.Arg294Pro; replaces arginine 294 with proline.
Molecular consequence: missense variant. On other transcripts: non-coding transcript variant (2).
Genome position (GRCh38, 1-based): chr19:12,896,938, G>C. VCF-style: chr19-12896938-G-C. GRCh37 (hg19) VCF-style: chr19-13007752-G-C.
Other names: c.881G>C, p.Arg294Pro (NM_013976.5); short protein forms R294P.
Identifiers: ClinVar variation 430833 (VCV000430833.10), dbSNP rs775606471, ClinGen allele CA404319364.